The following is an entry in ClinVar:

NM_006005.3(WFS1):c.2638_2643del (p.Asp880_Phe881del)

Gene: WFS1 (wolframin ER transmembrane glycoprotein; plus strand). Cytogenetic location: 4p16.1.
Variant type: Deletion.
Coding change: c.2638_2643del on transcript NM_006005.3 (MANE Select); coding-DNA positions 2638 to 2643, 6 bases deleted (GACTTC; older notation c.2638_2643delGACTTC).
Protein change: p.Asp880_Phe881del.
Molecular consequence: inframe deletion.
Genome position (GRCh38, 1-based): chr4:6,302,433-6,302,438, GACTTC deleted; deleting any 6 consecutive bases within chr4:6,302,429-6,302,438 gives the same sequence; the c. name uses the placement nearest the transcript's 3' end. VCF-style (leftmost placement, unchanged base first): chr4-6302428-CCTTCGA-C. GRCh37 (hg19) VCF-style: chr4-6304155-CCTTCGA-C.
Other names: c.2638_2643del, p.Asp880_Phe881del (NM_001145853.1).
Identifiers: ClinVar variation 807720 (VCV000807720.8), dbSNP rs1272826809, ClinGen allele CA797211390.

ClinVar aggregate classification (germline): Conflicting classifications of pathogenicity. Review status: criteria provided, conflicting classifications (1 of 4 stars). 3 submissions from 3 submitters: Pathogenic (1); Likely pathogenic (1); Uncertain significance (1). Last evaluated 2023-06-10.

Conditions:
Wolfram syndrome 1 (WFS1). Identifiers: Orphanet 3463, MedGen C4551693, MONDO:0009101, OMIM 222300.

Submissions (3):

Labcorp Genetics (formerly Invitae), Labcorp
Classification: Uncertain significance. Last evaluated: 2023-06-10. Review status: criteria provided, single submitter. Criteria: Invitae Variant Classification Sherloc (09022015). Collection method: clinical testing. Allele origin: germline.
Comment: In summary, the available evidence is currently insufficient to determine the role of this variant in disease. Therefore, it has been classified as a Variant of Uncertain Significance. ClinVar contains an entry for this variant (Variation ID: 807720). This variant has been observed in individual(s) with Wolfram syndrome (PMID: 11694551). In at least one individual the data is consistent with being in trans (on the opposite chromosome) from a pathogenic variant. This variant is not present in population databases (gnomAD no frequency). This variant, c.2638_2643del, results in the deletion of 2 amino acid(s) of the WFS1 protein (p.Asp880_Phe881del), but otherwise preserves the integrity of the reading frame.

Institute of Human Genetics Munich, TUM University Hospital
Classification: Pathogenic for Wolfram syndrome 1. Last evaluated: 2019-06-05. Review status: criteria provided, single submitter. Criteria: Classification criteria August 2017. Collection method: clinical testing. Allele origin: germline. Inheritance: Autosomal recessive inheritance. Affected: yes. Observed: 1 compound heterozygote.

Clinical Genomics, Uppaluri K&H Personalized Medicine Clinic
Classification: Likely pathogenic for Wolfram syndrome 1. Review status: criteria provided, single submitter. Criteria: K & H Uppaluri Personalized Medicine Clinic Variant Classification & Assertion Criteria_Updated V.1. Collection method: research. Allele origin: unknown. Inheritance: Autosomal recessive inheritance.
Comment: Potent mutations in WFS1 gene are associated with Wolfram's syndrome, an autosomal recessive condition, which cause diabetes mellitus, diabetes insipidus, deafness and optic atrophy.However no sufficient evidence is found to ascertain the role of this particular variant rs1272826809 in Wolfram's syndrome yet.

Literature cited by the submitters: PubMed 11694551 (cited by Labcorp Genetics (formerly Invitae), Labcorp); PubMed 20738327 (cited by Clinical Genomics, Uppaluri K&H Personalized Medicine Clinic); PubMed 33879153 (cited by Clinical Genomics, Uppaluri K&H Personalized Medicine Clinic); PubMed 12955714 (cited by Clinical Genomics, Uppaluri K&H Personalized Medicine Clinic); PubMed 18060660 (cited by Clinical Genomics, Uppaluri K&H Personalized Medicine Clinic); PubMed 20301750 (cited by Clinical Genomics, Uppaluri K&H Personalized Medicine Clinic); PubMed 17603484 (cited by Clinical Genomics, Uppaluri K&H Personalized Medicine Clinic).